The following is an entry in ClinVar:

NM_177438.3(DICER1):c.733_734dup (p.Tyr246fs)

Gene: DICER1 (dicer 1, ribonuclease III; minus strand). Cytogenetic location: 14q32.13.
Variant type: Duplication.
Coding change: c.733_734dup on transcript NM_177438.3 (MANE Select); coding-DNA positions 733 to 734, 2 bases duplicated (AG; older notation c.733_734dupAG).
Protein change: p.Tyr246fs; shifts the reading frame from tyrosine 246.
Molecular consequence: frameshift variant. On other transcripts: 5 prime UTR variant (1), non-coding transcript variant (6).
Genome position (GRCh38, 1-based): chr14:95,129,472-95,129,473, CT duplicated on the plus strand (AG on the coding strand, the reverse complement: DICER1 is on the minus strand). VCF-style (leftmost placement, unchanged base first): chr14-95129471-C-CCT. GRCh37 (hg19) VCF-style: chr14-95595808-C-CCT.
Other names: c.733_734dupAG (NM_177438.2); c.733_734dup, p.Tyr246fs (NM_001195573.1, NM_001271282.3, NM_001291628.2 and 14 more transcripts); c.451_452dup, p.Tyr152fs (NM_001395686.1); c.328_329dup, p.Tyr111fs (NM_001395687.1, NM_001395688.1, NM_001395689.1 and 3 more transcripts); c.166_167dup, p.Tyr57fs (NM_001395691.1); c.-836_-835dup (NM_001395697.1); short protein forms Y111fs, Y57fs, Y246fs, Y152fs.
Identifiers: ClinVar variation 4994615 (VCV004994615.1).

ClinVar aggregate classification (germline): Pathogenic (1 of 4 stars; one submission).

Conditions:
DICER1-related disorder. Also called: DICER1-related condition.

Submission:

PreventionGenetics, part of Exact Sciences
Classification: Pathogenic for DICER1-related condition. Last evaluated: 2026-06-02. Review status: criteria provided, single submitter. Criteria: ACMG Guidelines, 2015. Collection method: clinical testing. Allele origin: germline.
Comment: The DICER1 c.733_734dupAG variant is predicted to result in a frameshift and premature protein termination (p.Tyr246Glyfs*27). To our knowledge, this variant has not been reported in the literature or in a large population database (gnomAD), indicating this variant is rare. At the time of reporting this variant was not present in ClinVar. Frameshift variants in DICER1 are expected to be pathogenic. This variant is interpreted as pathogenic.